The following is an entry in ClinVar:

ClinVar aggregate classification (germline): Uncertain significance (1 of 4 stars; one submission).

Conditions:
Charcot-Marie-Tooth disease axonal type 2V. Also called: CHARCOT-MARIE-TOOTH NEUROPATHY, TYPE 2V; CHARCOT-MARIE-TOOTH DISEASE, AXONAL, AUTOSOMAL DOMINANT, TYPE 2V. Identifiers: Orphanet 447964, MedGen C5569050, MONDO:0014665, OMIM 616491.
Mucopolysaccharidosis, MPS-III-B (MPS3B). Also called: N-ACETYL-ALPHA-D-GLUCOSAMINIDASE DEFICIENCY; NAGLU DEFICIENCY; SANFILIPPO SYNDROME B; MPS III B; MUCOPOLYSACCHARIDOSIS, TYPE IIIB; MPS IIIB (Sanfilippo Syndrome Type B). Identifiers: Orphanet 79270, MedGen C0086648, MONDO:0009656, OMIM 252920.

Allele frequency attached by ClinVar (database versions not stated): TOPMed below 0.00001.

Submission:

Labcorp Genetics (formerly Invitae), Labcorp
Classification: Uncertain significance for Charcot-Marie-Tooth disease axonal type 2V; Mucopolysaccharidosis, MPS-III-B. Last evaluated: 2022-09-13. Review status: criteria provided, single submitter. Criteria: Invitae Variant Classification Sherloc (09022015). Collection method: clinical testing. Allele origin: germline.
Comment: This sequence change replaces threonine, which is neutral and polar, with isoleucine, which is neutral and non-polar, at codon 552 of the NAGLU protein (p.Thr552Ile). This variant is not present in population databases (gnomAD no frequency). This variant has not been reported in the literature in individuals affected with NAGLU-related conditions. Advanced modeling of protein sequence and biophysical properties (such as structural, functional, and spatial information, amino acid conservation, physicochemical variation, residue mobility, and thermodynamic stability) performed at Invitae indicates that this missense variant is expected to disrupt NAGLU protein function. In summary, the available evidence is currently insufficient to determine the role of this variant in disease. Therefore, it has been classified as a Variant of Uncertain Significance.

NM_000263.4(NAGLU):c.1655C>T (p.Thr552Ile)

Gene: NAGLU (N-acetyl-alpha-glucosaminidase; plus strand). Cytogenetic location: 17q21.2.
Variant type: single nucleotide variant.
Coding change: c.1655C>T on transcript NM_000263.4 (MANE Select); coding-DNA position 1655, C replaced by T.
Protein change: p.Thr552Ile; replaces threonine 552 with isoleucine.
Molecular consequence: missense variant.
Genome position (GRCh38, 1-based): chr17:42,543,661, C>T. VCF-style: chr17-42543661-C-T. GRCh37 (hg19) VCF-style: chr17-40695679-C-T.
Other names: short protein forms T552I.
Identifiers: ClinVar variation 2073664 (VCV002073664.1), dbSNP rs370718304, ClinGen allele CA290780897.
Genomic context (GRCh38, chr17:42,543,661, plus strand): 5'-ACCGATCTGATGTGTTTGAGGCCTGGCGGCTGCTGCTCACATCTGCTCCCTCCCTGGCCA[C>T]CAGCCCCGCCTTCCGCTACGACCTGCTGGACCTCACTCGGCAGGCAGTGCAGGAGCTGGT-3'
Protein context (NP_000254.2, residues 542-562): LLLTSAPSLA[Thr552Ile]SPAFRYDLLD